The following is an entry in ClinVar:

ClinVar aggregate classification (germline): Uncertain significance (1 of 4 stars; one submission).

Conditions:
Noonan syndrome 9 (NS9). Identifiers: Orphanet 648, MedGen C4225282, MONDO:0014691, OMIM 616559.

Allele frequency attached by ClinVar (database versions not stated): gnomAD exomes below 0.00001.
gnomAD v4.1: 2 of 1,614,102 alleles (0.00012%); highest among the groups gnomAD compares: East Asian, 0.0022%; no homozygotes.

Submission:

Labcorp Genetics (formerly Invitae), Labcorp
Classification: Uncertain significance for Noonan syndrome 9. Last evaluated: 2024-02-23. Review status: criteria provided, single submitter. Criteria: Invitae Variant Classification Sherloc (09022015). Collection method: clinical testing. Allele origin: germline.
Comment: This sequence change replaces methionine, which is neutral and non-polar, with leucine, which is neutral and non-polar, at codon 494 of the SOS2 protein (p.Met494Leu). This variant is not present in population databases (gnomAD no frequency). This variant has not been reported in the literature in individuals affected with SOS2-related conditions. ClinVar contains an entry for this variant (Variation ID: 1479885). Advanced modeling of protein sequence and biophysical properties (such as structural, functional, and spatial information, amino acid conservation, physicochemical variation, residue mobility, and thermodynamic stability) performed at Invitae indicates that this missense variant is not expected to disrupt SOS2 protein function with a negative predictive value of 80%. In summary, the available evidence is currently insufficient to determine the role of this variant in disease. Therefore, it has been classified as a Variant of Uncertain Significance.

NM_006939.4(SOS2):c.1480A>T (p.Met494Leu)

Gene: SOS2 (SOS Ras/Rho guanine nucleotide exchange factor 2; minus strand). Cytogenetic location: 14q21.3.
Variant type: single nucleotide variant.
Coding change: c.1480A>T on transcript NM_006939.4 (MANE Select); coding-DNA position 1480, A replaced by T.
Protein change: p.Met494Leu; replaces methionine 494 with leucine.
Molecular consequence: missense variant.
Genome position (GRCh38, 1-based): chr14:50,159,803, T>A on the plus strand (A>T on the coding strand, the complement: SOS2 is on the minus strand). VCF-style: chr14-50159803-T-A. GRCh37 (hg19) VCF-style: chr14-50626521-T-A.
Other names: short protein forms M494L.
Identifiers: ClinVar variation 1479885 (VCV001479885.8), dbSNP rs1884937684, ClinGen allele CA389645681.